The following is an entry in ClinVar:

ClinVar aggregate classification (germline): Uncertain significance (1 of 4 stars; one submission).

Allele frequency attached by ClinVar (database versions not stated): TOPMed 0.00038; gnomAD 0.00058; 1000 Genomes Project 30x 0.00094; 1000 Genomes Project 0.00100; ExAC 0.00168.
gnomAD v4.1: 1,573 of 1,614,196 alleles (0.097%); highest among the groups gnomAD compares: South Asian, 0.86%; 11 homozygotes.

Submission:

Ambry Genetics
Classification: Uncertain significance. Last evaluated: 2025-01-13. Review status: criteria provided, single submitter. Criteria: Ambry Variant Classification Scheme 2023. Collection method: clinical testing. Allele origin: germline.
Comment: The p.D360G variant (also known as c.1079A>G), located in coding exon 6 of the PKP4 gene, results from an A to G substitution at nucleotide position 1079. The aspartic acid at codon 360 is replaced by glycine, an amino acid with similar properties. This amino acid position is conserved. In addition, the in silico prediction for this alteration is inconclusive. Since supporting evidence is limited at this time, the clinical significance of this alteration remains unclear.

NM_003628.6(PKP4):c.1079A>G (p.Asp360Gly)

Gene: PKP4 (plakophilin 4; plus strand). Cytogenetic location: 2q24.1.
Variant type: single nucleotide variant.
Coding change: c.1079A>G on transcript NM_003628.6 (MANE Select); coding-DNA position 1079, A replaced by G.
Protein change: p.Asp360Gly; replaces aspartic acid 360 with glycine.
Molecular consequence: missense variant.
Genome position (GRCh38, 1-based): chr2:158,625,353, A>G. VCF-style: chr2-158625353-A-G. GRCh37 (hg19) VCF-style: chr2-159481865-A-G.
Other names: c.1079A>G, p.Asp360Gly (NM_001005476.4, NM_001304969.3, NM_001304971.2 and 6 more transcripts); c.53A>G, p.Asp18Gly (NM_001304970.3); c.1073A>G, p.Asp358Gly (NM_001377222.1, NM_001377223.1, NM_001377224.1); short protein forms D360G, D358G, D18G.
Identifiers: ClinVar variation 2488820 (VCV002488820.3), dbSNP rs147809285, ClinGen allele CA1920594.